The following is an entry in ClinVar:

NM_005633.4(SOS1):c.2559T>A (p.Ser853Arg)

Gene: SOS1 (SOS Ras/Rac guanine nucleotide exchange factor 1; minus strand). Cytogenetic location: 2p22.1.
Variant type: single nucleotide variant.
Coding change: c.2559T>A on transcript NM_005633.4 (MANE Select); coding-DNA position 2559, T replaced by A.
Protein change: p.Ser853Arg; replaces serine 853 with arginine.
Molecular consequence: missense variant.
Genome position (GRCh38, 1-based): chr2:39,007,145, A>T on the plus strand (T>A on the coding strand, the complement: SOS1 is on the minus strand). VCF-style: chr2-39007145-A-T. GRCh37 (hg19) VCF-style: chr2-39234286-A-T.
Other names: c.2538T>A, p.Ser846Arg (NM_001382394.1); c.2559T>A, p.Ser853Arg (NM_001382395.1); short protein forms S846R, S853R.
Identifiers: ClinVar variation 3959847 (VCV003959847.1).

ClinVar aggregate classification (germline): Uncertain significance (1 of 4 stars; one submission).

Conditions:
Cardiovascular phenotype. Identifiers: MedGen CN230736.

Submission:

Ambry Genetics
Classification: Uncertain significance for Cardiovascular phenotype. Last evaluated: 2025-06-07. Review status: criteria provided, single submitter. Criteria: Ambry Variant Classification Scheme 2023. Collection method: clinical testing. Allele origin: germline.
Comment: The p.S853R variant (also known as c.2559T>A), located in coding exon 16 of the SOS1 gene, results from a T to A substitution at nucleotide position 2559. The serine at codon 853 is replaced by arginine, an amino acid with dissimilar properties. This amino acid position is conserved. In addition, this alteration is predicted to be tolerated by in silico analysis. Based on the available evidence, the clinical significance of this variant remains unclear.